The following is an entry in ClinVar:

NM_001367721.1(CASK):c.184del (p.Glu62fs)

Gene: CASK (calcium/calmodulin dependent serine protein kinase; minus strand). Cytogenetic location: Xp11.4.
Variant type: Deletion.
Coding change: c.184del on transcript NM_001367721.1 (MANE Select); coding-DNA position 184, one base deleted (G; older notation c.184delG).
Protein change: p.Glu62fs; shifts the reading frame from glutamic acid 62.
Molecular consequence: frameshift variant.
Genome position (GRCh38, 1-based): chrX:41,787,272, C deleted on the plus strand (G on the coding strand, the reverse complement: CASK is on the minus strand); the first of 3 consecutive C bases (chrX:41,787,272-41,787,274); deleting any one gives the same sequence. VCF-style (leftmost placement, unchanged base first): chrX-41787271-TC-T. GRCh37 (hg19) VCF-style: chrX-41646524-TC-T.
Other names: c.182delG, p.Glu62Lysfs (NM_001126054.3, NM_001126055.3, NM_001410745.1 and 1 more transcripts); c.184delG (NM_003688.3); short protein forms E62fs.
Identifiers: ClinVar variation 450510 (VCV000450510.2), dbSNP rs1556121448, ClinGen allele CA658658978.

ClinVar aggregate classification (germline): Pathogenic (1 of 4 stars; one submission).

Submission:

GeneDx
Classification: Pathogenic. Last evaluated: 2017-07-12. Review status: criteria provided, single submitter. Criteria: GeneDx Variant Classification (06012015). Collection method: clinical testing. Allele origin: germline. Affected: yes.
Comment: The c.184delG pathogenic variant in the CASK gene causes a frameshift starting with codon Glutamic acid 62, changes this amino acid to a Lysine residue and creates a premature Stop codon at position 8 of the new reading frame, denoted p.Glu62LysfsX8. This pathogenic variant is predicted to cause loss of normal protein function either through protein truncation or nonsense-mediated mRNA decay. The c.184delG variant is not observed in large population cohorts (Lek et al., 2016; 1000 Genomes Consortium et al., 2015; Exome Variant Server). Although this pathogenic variant has not been previously reported to our knowledge, its presence is consistent with the diagnosis of MICPCH in this individual.